The following is an entry in ClinVar:

ClinVar aggregate classification (germline): Uncertain significance (1 of 4 stars; one submission).

Conditions:
Inborn genetic diseases. Identifiers: MedGen C0950123, MeSH D030342.

Submission:

Ambry Genetics
Classification: Uncertain significance for Inborn genetic diseases. Last evaluated: 2022-04-21. Review status: criteria provided, single submitter. Criteria: Ambry Variant Classification Scheme 2023. Collection method: clinical testing. Allele origin: germline.
Comment: The p.G1520R variant (also known as c.4558G>A), located in coding exon 32 of the LRRK2 gene, results from a G to A substitution at nucleotide position 4558. The glycine at codon 1520 is replaced by arginine, an amino acid with dissimilar properties. This amino acid position is conserved. In addition, this alteration is predicted to be deleterious by in silico analysis. Since supporting evidence is limited at this time, the clinical significance of this alteration remains unclear.

NM_198578.4(LRRK2):c.4558G>A (p.Gly1520Arg)

Gene: LRRK2 (leucine rich repeat kinase 2; plus strand). Cytogenetic location: 12q12.
Variant type: single nucleotide variant.
Coding change: c.4558G>A on transcript NM_198578.4 (MANE Select); coding-DNA position 4558, G replaced by A.
Protein change: p.Gly1520Arg; replaces glycine 1520 with arginine.
Molecular consequence: missense variant.
Genome position (GRCh38, 1-based): chr12:40,313,993, G>A. VCF-style: chr12-40313993-G-A. GRCh37 (hg19) VCF-style: chr12-40707795-G-A.
Other names: short protein forms G1520R.
Identifiers: ClinVar variation 1741469 (VCV001741469.2), dbSNP rs2499845594, ClinGen allele CA384418777.